The following is an entry in ClinVar:

NM_014822.4(SEC24D):c.2536A>G (p.Met846Val)

Gene: SEC24D (SEC24 homolog D, COPII component; minus strand). Cytogenetic location: 4q26.
Variant type: single nucleotide variant.
Coding change: c.2536A>G on transcript NM_014822.4 (MANE Select); coding-DNA position 2536, A replaced by G.
Protein change: p.Met846Val; replaces methionine 846 with valine.
Molecular consequence: missense variant.
Genome position (GRCh38, 1-based): chr4:118,732,873, T>C on the plus strand (A>G on the coding strand, the complement: SEC24D is on the minus strand). VCF-style: chr4-118732873-T-C. GRCh37 (hg19) VCF-style: chr4-119654028-T-C.
Other names: p.Met846Val; c.2539A>G, p.Met847Val (NM_001318066.2); short protein forms M846V, M847V.
Identifiers: ClinVar variation 713096 (VCV000713096.16), dbSNP rs34510328, ClinGen allele CA3056937.

ClinVar aggregate classification (germline): Benign/Likely benign. Review status: criteria provided, multiple submitters, no conflicts (2 of 4 stars). 6 submissions from 6 submitters: Benign (1); Likely benign (5). Last evaluated 2026-01-17.

Conditions:
Cole-Carpenter syndrome 2 (CLCRP2). Identifiers: Orphanet 2050, MedGen C4225382, MONDO:0014573, OMIM 616294.

Allele frequency attached by ClinVar (database versions not stated): gnomAD exomes 0.00038 and 0.00102; ExAC 0.00134; 1000 Genomes Project 0.00300; 1000 Genomes Project 30x 0.00344; ESP Exome Variant Server 0.00392; gnomAD 0.00412 and 0.00443; TOPMed 0.00470.
gnomAD v4.1: 1,186 of 1,614,026 alleles (0.073%); highest among the groups gnomAD compares: African/African-American, 1.4%; 4 homozygotes.

Submissions (6):

Labcorp Genetics (formerly Invitae), Labcorp
Classification: Benign. Last evaluated: 2026-01-17. Review status: criteria provided, single submitter. Criteria: Invitae Variant Classification Sherloc (09022015). Collection method: clinical testing. Allele origin: germline.

Mayo Clinic Laboratories, Mayo Clinic
Classification: Likely benign. Last evaluated: 2025-03-04. Review status: criteria provided, single submitter. Criteria: ACMG Guidelines, 2015. Collection method: clinical testing. Allele origin: germline. Observed: 2 variant alleles.
Comment: BS1, BP4

Blueprint Genetics
Classification: Likely benign. Last evaluated: 2024-11-25. Review status: criteria provided, single submitter. Criteria: ACMG Guidelines, 2015. Collection method: clinical testing. Allele origin: germline.

ARUP Laboratories, Molecular Genetics and Genomics, ARUP Laboratories
Classification: Likely benign for Cole-Carpenter syndrome 2. Last evaluated: 2022-03-30. Review status: criteria provided, single submitter. Criteria: ARUP Molecular Germline Variant Investigation Process 2021. Collection method: clinical testing. Allele origin: germline.

GeneDx
Classification: Likely benign. Last evaluated: 2021-01-03. Review status: criteria provided, single submitter. Criteria: GeneDx Variant Classification Process June 2021. Collection method: clinical testing. Allele origin: germline. Affected: yes.

Breakthrough Genomics
Classification: Likely benign. Review status: criteria provided, single submitter. Criteria: ACMG Guidelines, 2015. Collection method: not provided. Allele origin: germline. Inheritance: Autosomal recessive inheritance. Affected: yes.